The following is an entry in ClinVar:

ClinVar aggregate classification (germline): Uncertain significance. Review status: criteria provided, multiple submitters, no conflicts (2 of 4 stars). 3 submissions from 3 submitters: Uncertain significance (3). Last evaluated 2026-05-28.

Conditions:
Inborn genetic diseases. Identifiers: MedGen C0950123, MeSH D030342.
Aortic valve disease 2 (AOVD2). Identifiers: MedGen C3542024, MONDO:0013902, OMIM 614823.

Allele frequency attached by ClinVar (database versions not stated): TOPMed below 0.00001.
gnomAD v4.1: 1 of 1,232,258 alleles (0.000081%); highest among the groups gnomAD compares: Admixed American, 0.0044%; no homozygotes.

Submissions (3):

Ambry Genetics
Classification: Uncertain significance for Inborn genetic diseases. Last evaluated: 2026-05-28. Review status: criteria provided, single submitter. Criteria: Ambry Variant Classification Scheme 2023. Collection method: clinical testing. Allele origin: germline.
Comment: The p.R132L variant (also known as c.395G>T), located in coding exon 1 of the SMAD6 gene, results from a G to T substitution at nucleotide position 395. The arginine at codon 132 is replaced by leucine, an amino acid with dissimilar properties. This amino acid position is conserved. In addition, this alteration is predicted to be tolerated by in silico analysis. Based on the available evidence, the clinical significance of this variant remains unclear.

GeneDx
Classification: Uncertain significance. Last evaluated: 2023-05-01. Review status: criteria provided, single submitter. Criteria: GeneDx Variant Classification Process June 2021. Collection method: clinical testing. Allele origin: germline. Affected: yes.
Comment: Not observed at significant frequency in large population cohorts (gnomAD); In silico analysis supports that this missense variant does not alter protein structure/function; Has not been previously published as pathogenic or benign to our knowledge

Labcorp Genetics (formerly Invitae), Labcorp
Classification: Uncertain significance for Aortic valve disease 2. Last evaluated: 2022-03-05. Review status: criteria provided, single submitter. Criteria: Invitae Variant Classification Sherloc (09022015). Collection method: clinical testing. Allele origin: germline.
Comment: This sequence change replaces arginine, which is basic and polar, with leucine, which is neutral and non-polar, at codon 132 of the SMAD6 protein (p.Arg132Leu). This variant is not present in population databases (gnomAD no frequency). This variant has not been reported in the literature in individuals affected with SMAD6-related conditions. Algorithms developed to predict the effect of missense changes on protein structure and function are either unavailable or do not agree on the potential impact of this missense change (SIFT: "Deleterious"; PolyPhen-2: "Possibly Damaging"; Align-GVGD: "Class C0"). In summary, the available evidence is currently insufficient to determine the role of this variant in disease. Therefore, it has been classified as a Variant of Uncertain Significance.

NM_005585.5(SMAD6):c.395G>T (p.Arg132Leu)

Gene: SMAD6 (SMAD family member 6; plus strand). Cytogenetic location: 15q22.31.
Variant type: single nucleotide variant.
Coding change: c.395G>T on transcript NM_005585.5 (MANE Select); coding-DNA position 395, G replaced by T.
Protein change: p.Arg132Leu; replaces arginine 132 with leucine.
Molecular consequence: missense variant. On other transcripts: non-coding transcript variant (1).
Genome position (GRCh38, 1-based): chr15:66,703,653, G>T. VCF-style: chr15-66703653-G-T. GRCh37 (hg19) VCF-style: chr15-66995991-G-T.
Other names: c.395G>T (NM_005585.4); short protein forms R132L.
Identifiers: ClinVar variation 2144342 (VCV002144342.6), dbSNP rs1893032884, ClinGen allele CA392949467.
Genomic context (GRCh38, chr15:66,703,653, plus strand): 5'-GCCCGGGCTGGCTGCCCGAGAGTGACTGCGAGACGGTGACCTGCTGTCTCTTTTCGGAGC[G>T]GGACGCCGCCGGCGCGCCCCGGGACGCCAGCGACCCCCTGGCCGGGGCGGCCCTGGAGCC-3'
Protein context (NP_005576.3, residues 122-142): ETVTCCLFSE[Arg132Leu]DAAGAPRDAS